The following is an entry in ClinVar:

ClinVar aggregate classification (germline): Uncertain significance (1 of 4 stars; one submission).

Conditions:
Cardiovascular phenotype. Identifiers: MedGen CN230736.
Hereditary cancer-predisposing syndrome. Also called: Neoplastic Syndromes, Hereditary; Tumor predisposition; Hereditary Cancer Syndrome; Hereditary neoplastic syndrome. Identifiers: Orphanet 140162, MedGen C0027672, MeSH D009386, MONDO:0015356.

Submission:

Ambry Genetics
Classification: Uncertain significance for Cardiovascular phenotype; Hereditary cancer-predisposing syndrome. Last evaluated: 2025-10-26. Review status: criteria provided, single submitter. Criteria: Ambry Variant Classification Scheme 2023. Collection method: clinical testing. Allele origin: germline.
Comment: The p.I2249M variant (also known as c.6747T>G), located in coding exon 44 of the NF1 gene, results from a T to G substitution at nucleotide position 6747. The isoleucine at codon 2249 is replaced by methionine, an amino acid with highly similar properties. This amino acid position is conserved. In addition, this alteration is predicted to be deleterious by in silico analysis. Based on the available evidence, the clinical significance of this variant remains unclear.

NM_001042492.3(NF1):c.6810T>G (p.Ile2270Met)

Gene: NF1 (neurofibromin 1; plus strand). Cytogenetic location: 17q11.2.
Variant type: single nucleotide variant.
Coding change: c.6810T>G on transcript NM_001042492.3 (MANE Select); coding-DNA position 6810, T replaced by G.
Protein change: p.Ile2270Met; replaces isoleucine 2270 with methionine.
Molecular consequence: missense variant.
Genome position (GRCh38, 1-based): chr17:31,338,130, T>G. VCF-style: chr17-31338130-T-G. GRCh37 (hg19) VCF-style: chr17-29665148-T-G.
Other names: c.6747T>G, p.Ile2249Met (NM_000267.4); short protein forms I2249M, I2270M.
Identifiers: ClinVar variation 4615773 (VCV004615773.1).